The following is an entry in ClinVar:

NM_004082.5(DCTN1):c.371C>G (p.Thr124Arg)

Gene: DCTN1 (dynactin subunit 1; minus strand). Cytogenetic location: 2p13.1.
Variant type: single nucleotide variant.
Coding change: c.371C>G on transcript NM_004082.5 (MANE Select); coding-DNA position 371, C replaced by G.
Protein change: p.Thr124Arg; replaces threonine 124 with arginine.
Molecular consequence: missense variant. On other transcripts: non-coding transcript variant (1).
Genome position (GRCh38, 1-based): chr2:74,377,454, G>C on the plus strand (C>G on the coding strand, the complement: DCTN1 is on the minus strand). VCF-style: chr2-74377454-G-C. GRCh37 (hg19) VCF-style: chr2-74604581-G-C.
Other names: c.371C>G, p.Thr124Arg (NM_001190837.2, NM_001135040.3); c.320C>G, p.Thr107Arg (NM_001378991.1, NM_001378992.1, NM_001190836.2); short protein forms T124R, T107R.
Identifiers: ClinVar variation 940244 (VCV000940244.10), dbSNP rs769430160, ClinGen allele CA1722519.

ClinVar aggregate classification (germline): Uncertain significance (1 of 4 stars; one submission).

Conditions:
Amyotrophic lateral sclerosis type 1 (ALS1). Also called: AMYOTROPHIC LATERAL SCLEROSIS 1, FAMILIAL. Identifiers: Orphanet 803, MedGen C1862939, MONDO:0007103, OMIM 105400.
Perry syndrome. Also called: PARKINSONISM WITH ALVEOLAR HYPOVENTILATION AND MENTAL DEPRESSION. Identifiers: Orphanet 178509, MedGen C1868594, MONDO:0008201, OMIM 168605.
Neuronopathy, distal hereditary motor, type 7B. Also called: Distal Hereditary Motor Neuronopathy Type 7B (dHMN7B); NEURONOPATHY, DISTAL HEREDITARY MOTOR, AUTOSOMAL DOMINANT 14; NEURONOPATHY, DISTAL HEREDITARY MOTOR, HARDING TYPE VIIB; NEUROPATHY, DISTAL HEREDITARY MOTOR, HARDING TYPE VIIB; NEUROPATHY, DISTAL HEREDITARY MOTOR, WITH VOCAL CORD PARALYSIS, HARDING TYPE VIIB; HMN VIIB. Identifiers: Orphanet 139589, MedGen C1843315, MONDO:0011879, OMIM 607641.

Allele frequency attached by ClinVar (database versions not stated): TOPMed 0.00001.
gnomAD v4.1: 4 of 1,613,314 alleles (0.00025%); highest among the groups gnomAD compares: East Asian, 0.0022%; no homozygotes.

Submission:

Labcorp Genetics (formerly Invitae), Labcorp
Classification: Uncertain significance for Amyotrophic lateral sclerosis type 1; Neuronopathy, distal hereditary motor, type 7B; Perry syndrome. Last evaluated: 2023-08-17. Review status: criteria provided, single submitter. Criteria: Invitae Variant Classification Sherloc (09022015). Collection method: clinical testing. Allele origin: germline.
Comment: This sequence change replaces threonine, which is neutral and polar, with arginine, which is basic and polar, at codon 124 of the DCTN1 protein (p.Thr124Arg). This variant is present in population databases (rs769430160, gnomAD no frequency). This variant has not been reported in the literature in individuals affected with DCTN1-related conditions. ClinVar contains an entry for this variant (Variation ID: 940244). Advanced modeling of protein sequence and biophysical properties (such as structural, functional, and spatial information, amino acid conservation, physicochemical variation, residue mobility, and thermodynamic stability) performed at Invitae indicates that this missense variant is not expected to disrupt DCTN1 protein function. In summary, the available evidence is currently insufficient to determine the role of this variant in disease. Therefore, it has been classified as a Variant of Uncertain Significance.